The following is an entry in ClinVar:

ClinVar aggregate classification (germline): Uncertain significance. Review status: criteria provided, multiple submitters, no conflicts (2 of 4 stars). 3 submissions from 3 submitters: Uncertain significance (3). Last evaluated 2023-12-13.

Conditions:
Spinocerebellar ataxia type 5 (SCA5). Identifiers: Orphanet 98766, MedGen C0752123, MONDO:0010848, OMIM 600224.

gnomAD v4.1: 4 of 1,612,146 alleles (0.00025%); highest among the groups gnomAD compares: Non-Finnish European, 0.00034%; no homozygotes.

Submissions (3):

Illumina Laboratory Services, Illumina
Classification: Uncertain significance for Spinocerebellar ataxia type 5. Last evaluated: 2023-12-13. Review status: criteria provided, single submitter. Criteria: ISL SNV Classification Criteria 03 February 2026. Collection method: clinical testing. Allele origin: unknown.
Comment: The SPTBN2 c.2623C>T p.(Leu875Phe) missense variant, has not to our knowledge, been reported in the peer reviewed literature. This variant is reported in the Genome Aggregation Database in four alleles at a frequency of 0.000003 in the European (non-Finnish) population (version 4.0.0). Based on the available evidence, the c.2623C>T p.(Leu875Phe) variant is classified as a variant of uncertain significance for SPTBN2-related spinocerebellar ataxia.

Labcorp Genetics (formerly Invitae), Labcorp
Classification: Uncertain significance. Last evaluated: 2021-08-26. Review status: criteria provided, single submitter. Criteria: Invitae Variant Classification Sherloc (09022015). Collection method: clinical testing. Allele origin: germline.

Eurofins Ntd Llc (ga)
Classification: Uncertain significance. Last evaluated: 2017-06-01. Review status: criteria provided, single submitter. Criteria: EGL Classification Definitions 2015. Collection method: clinical testing. Allele origin: germline. Observed: 1 variant allele, 1 heterozygote.

NM_006946.4(SPTBN2):c.2623C>T (p.Leu875Phe)

Gene: SPTBN2 (spectrin beta, non-erythrocytic 2; minus strand). Cytogenetic location: 11q13.2.
Variant type: single nucleotide variant.
Coding change: c.2623C>T on transcript NM_006946.4 (MANE Select); coding-DNA position 2623, C replaced by T.
Protein change: p.Leu875Phe; replaces leucine 875 with phenylalanine.
Molecular consequence: missense variant.
Genome position (GRCh38, 1-based): chr11:66,704,653, G>A on the plus strand (C>T on the coding strand, the complement: SPTBN2 is on the minus strand). VCF-style: chr11-66704653-G-A. GRCh37 (hg19) VCF-style: chr11-66472124-G-A.
Other names: short protein forms L875F.
Identifiers: ClinVar variation 502308 (VCV000502308.11), dbSNP rs906936058, ClinGen allele CA224085636.
Genomic context (GRCh38, chr11:66,704,653, plus strand): 5'-CCTACCTCTGCTGCACGACCTCCAGGTCCTCCAGGCGTTCAGGCAGGGCCAGCCCGTTGA[G>A]CCACTGCTCCTTCTCCTCCACCCAGAGTCCACAGGCCCCGGCCTCGCTGAGCATGGTGTA-3'
Protein context (NP_008877.2, residues 865-885): GLWVEEKEQW[Leu875Phe]NGLALPERLE